The following is an entry in ClinVar:

NM_020771.4(HACE1):c.366T>C (p.Ala122=)

Gene: HACE1 (HECT domain and ankyrin repeat containing E3 ubiquitin protein ligase 1; minus strand). Cytogenetic location: 6q16.3.
Variant type: single nucleotide variant.
Coding change: c.366T>C on transcript NM_020771.4 (MANE Select); coding-DNA position 366, T replaced by C.
Protein change: p.Ala122=; no amino-acid change (alanine 122 retained).
Molecular consequence: synonymous variant. On other transcripts: 5 prime UTR variant (3), non-coding transcript variant (6), intron variant (4).
Genome position (GRCh38, 1-based): chr6:104,843,259, A>G on the plus strand (T>C on the coding strand, the complement: HACE1 is on the minus strand). VCF-style: chr6-104843259-A-G. GRCh37 (hg19) VCF-style: chr6-105291134-A-G.
Other names: c.366T>C, p.Ala122= (NM_001321080.2); c.264T>C, p.Ala88= (NM_001321083.2, NM_001350554.2); c.-56T>C (NM_001321084.2, NM_001350558.2); c.-2T>C (NM_001350559.2); c.326+5883T>C (NM_001350555.2); c.-250+5883T>C (NM_001350560.2); c.-20+5883T>C (NM_001350557.2); c.-85+5883T>C (NM_001350556.2).
Identifiers: ClinVar variation 2656800 (VCV002656800.24), dbSNP rs1775286935, ClinGen allele CA451396396.

ClinVar aggregate classification (germline): Likely benign (1 of 4 stars; one submission).

Allele frequency attached by ClinVar (database versions not stated): TOPMed below 0.00001.

Submission:

CeGaT Center for Human Genetics Tuebingen
Classification: Likely benign. Last evaluated: 2023-02-01. Review status: criteria provided, single submitter. Criteria: CeGaT Center For Human Genetics Tuebingen Variant Classification Criteria Version 2. Collection method: clinical testing. Allele origin: germline. Affected: yes. Observed: 1 variant allele.
Comment: HACE1: PM2:Supporting, BP4, BP7